The following is an entry in ClinVar:

ClinVar aggregate classification (germline): Uncertain significance. Review status: criteria provided, multiple submitters, no conflicts (2 of 4 stars). 3 submissions from 3 submitters: Uncertain significance (2). 1 of the submissions does not count toward it. Last evaluated 2023-12-11.

Conditions:
Retinitis pigmentosa (RP). Identifiers: Orphanet 791, MedGen C0035334, MeSH D012174, MONDO:0019200, OMIM 268000. Inheritance: Autosomal dominant, autosomal recessive and X linked inheritance.
Meckel-Gruber syndrome. Also called: Dysencephalia splachnocystica; DYSENCEPHALIA SPLANCHNOCYSTICA; GRUBER SYNDROME. Identifiers: Orphanet 564, MedGen C0265215, MONDO:0018921.
Joubert syndrome. Also called: Familial aplasia of the vermis; JOUBERT-BOLTSHAUSER SYNDROME. Identifiers: Orphanet 475, MedGen C5979921, MONDO:0018772.
Nephronophthisis. Also called: Juvenile Nephronophthisis. Identifiers: Orphanet 655, MedGen C0687120, MONDO:0019005, HP:0000090.

Allele frequency attached by ClinVar (database versions not stated): gnomAD exomes 0.00001; TOPMed 0.00001; ExAC 0.00002.
gnomAD v4.1: 16 of 1,609,094 alleles (0.00099%); highest among the groups gnomAD compares: Non-Finnish European, 0.0014%; no homozygotes.

Submissions (3):

Labcorp Genetics (formerly Invitae), Labcorp
Classification: Uncertain significance for Joubert syndrome; Meckel-Gruber syndrome; Nephronophthisis. Last evaluated: 2023-12-11. Review status: criteria provided, single submitter. Criteria: Invitae Variant Classification Sherloc (09022015). Collection method: clinical testing. Allele origin: germline.
Comment: This sequence change replaces isoleucine, which is neutral and non-polar, with methionine, which is neutral and non-polar, at codon 897 of the CEP290 protein (p.Ile897Met). This variant is present in population databases (rs774079924, gnomAD 0.002%). This missense change has been observed in individual(s) with inherited retinal dystrophy (PMID: 28157192, 30190494, 30718709). ClinVar contains an entry for this variant (Variation ID: 636217). Advanced modeling of protein sequence and biophysical properties (such as structural, functional, and spatial information, amino acid conservation, physicochemical variation, residue mobility, and thermodynamic stability) performed at Invitae indicates that this missense variant is not expected to disrupt CEP290 protein function with a negative predictive value of 80%. In summary, the available evidence is currently insufficient to determine the role of this variant in disease. Therefore, it has been classified as a Variant of Uncertain Significance.

Blueprint Genetics
Classification: Uncertain significance. Last evaluated: 2023-10-02. Review status: criteria provided, single submitter. Criteria: ACMG Guidelines, 2015. Collection method: clinical testing. Allele origin: germline.

Department of Clinical Genetics, Copenhagen University Hospital, Rigshospitalet
Classification: Uncertain significance for Retinitis pigmentosa. Last evaluated: 2018-04-01. Review status: no assertion criteria provided. Collection method: research. Allele origin: unknown. Affected: yes. Study: VeluxRD. Not counted in ClinVar's aggregate classification.

Literature cited by the submitters: PubMed 28157192 (cited by Labcorp Genetics (formerly Invitae), Labcorp); PubMed 30190494 (cited by Labcorp Genetics (formerly Invitae), Labcorp); PubMed 30718709 (cited by Labcorp Genetics (formerly Invitae), Labcorp and Department of Clinical Genetics, Copenhagen University Hospital, Rigshospitalet).

NM_025114.4(CEP290):c.2691A>G (p.Ile897Met)

Gene: CEP290 (centrosomal protein 290; minus strand). Cytogenetic location: 12q21.32.
Variant type: single nucleotide variant.
Coding change: c.2691A>G on transcript NM_025114.4 (MANE Select); coding-DNA position 2691, A replaced by G.
Protein change: p.Ile897Met; replaces isoleucine 897 with methionine.
Molecular consequence: missense variant.
Genome position (GRCh38, 1-based): chr12:88,106,801, T>C on the plus strand (A>G on the coding strand, the complement: CEP290 is on the minus strand). VCF-style: chr12-88106801-T-C. GRCh37 (hg19) VCF-style: chr12-88500578-T-C.
Other names: short protein forms I897M.
Identifiers: ClinVar variation 636217 (VCV000636217.7), dbSNP rs774079924, ClinGen allele CA6712290.